The following is an entry in ClinVar:

NM_001042492.3(NF1):c.7384C>A (p.Leu2462Ile)

Gene: NF1 (neurofibromin 1; plus strand). Cytogenetic location: 17q11.2.
Variant type: single nucleotide variant.
Coding change: c.7384C>A on transcript NM_001042492.3 (MANE Select); coding-DNA position 7384, C replaced by A.
Protein change: p.Leu2462Ile; replaces leucine 2462 with isoleucine.
Molecular consequence: missense variant.
Genome position (GRCh38, 1-based): chr17:31,350,245, C>A. VCF-style: chr17-31350245-C-A. GRCh37 (hg19) VCF-style: chr17-29677263-C-A.
Other names: c.7321C>A, p.Leu2441Ile (NM_000267.4); short protein forms L2441I, L2462I.
Identifiers: ClinVar variation 1721599 (VCV001721599.9), dbSNP rs2151574441, ClinGen allele CA399017074.
Genomic context (GRCh38, chr17:31,350,245, plus strand): 5'-TTACTTACAGTGTCTGAAGAAGTTCGAAGTCGCTGCAGCCTAAAACATAGAAAGTCACTT[C>A]TTCTTACTGATATTTCAATGGAAAATGTTCCTATGGATACATATCCCATTCATCATGGTG-3'
Protein context (NP_001035957.1, residues 2452-2472): RCSLKHRKSL[Leu2462Ile]LTDISMENVP

ClinVar aggregate classification (germline): Conflicting classifications of pathogenicity. Review status: criteria provided, conflicting classifications (1 of 4 stars). 2 submissions from 2 submitters: Uncertain significance (1); Likely benign (1). Last evaluated 2025-06-11.

Conditions:
Neurofibromatosis, type 1 (NF1). Also called: Neurofibromatosis, type I; VON RECKLINGHAUSEN DISEASE; NEUROFIBROMATOSIS, TYPE I, SOMATIC; Peripheral type neurofibromatosis. Identifiers: Orphanet 636, MedGen C0027831, MONDO:0018975, OMIM 162200. Disease mechanism: loss of function.
Cardiovascular phenotype. Identifiers: MedGen CN230736.
Hereditary cancer-predisposing syndrome. Also called: Hereditary Cancer Syndrome; Hereditary neoplastic syndrome; Neoplastic Syndromes, Hereditary; Tumor predisposition. Identifiers: Orphanet 140162, MedGen C0027672, MeSH D009386, MONDO:0015356.

Submissions (2):

Ambry Genetics
Classification: Likely benign for Cardiovascular phenotype; Hereditary cancer-predisposing syndrome. Last evaluated: 2025-06-11. Review status: criteria provided, single submitter. Criteria: Ambry Variant Classification Scheme 2023. Collection method: clinical testing. Allele origin: germline.

Labcorp Genetics (formerly Invitae), Labcorp
Classification: Uncertain significance for Neurofibromatosis, type 1. Last evaluated: 2022-10-14. Review status: criteria provided, single submitter. Criteria: Invitae Variant Classification Sherloc (09022015). Collection method: clinical testing. Allele origin: germline.
Comment: In summary, the available evidence is currently insufficient to determine the role of this variant in disease. Therefore, it has been classified as a Variant of Uncertain Significance. Advanced modeling of protein sequence and biophysical properties (such as structural, functional, and spatial information, amino acid conservation, physicochemical variation, residue mobility, and thermodynamic stability) performed at Invitae indicates that this missense variant is not expected to disrupt NF1 protein function. This variant has not been reported in the literature in individuals affected with NF1-related conditions. This variant is not present in population databases (gnomAD no frequency). This sequence change replaces leucine, which is neutral and non-polar, with isoleucine, which is neutral and non-polar, at codon 2441 of the NF1 protein (p.Leu2441Ile).